The following is an entry in ClinVar:

ClinVar aggregate classification (germline): Uncertain significance. Review status: criteria provided, single submitter (1 of 4 stars). 2 submissions from 2 submitters: Uncertain significance (1). 1 of the submissions does not count toward it. Last evaluated 2022-03-03.

Conditions:
Retinitis pigmentosa 25 (RP25). Identifiers: Orphanet 791, MedGen C1864446, MONDO:0011272, OMIM 602772.

Allele frequency attached by ClinVar (database versions not stated): gnomAD 0.00001; gnomAD exomes 0.00001.
gnomAD v4.1: 13 of 1,549,904 alleles (0.00084%); highest among the groups gnomAD compares: African/African-American, 0.0014%; no homozygotes.

Submissions (2):

Labcorp Genetics (formerly Invitae), Labcorp
Classification: Uncertain significance. Last evaluated: 2022-03-03. Review status: criteria provided, single submitter. Criteria: Invitae Variant Classification Sherloc (09022015). Collection method: clinical testing. Allele origin: germline.
Comment: This sequence change replaces isoleucine, which is neutral and non-polar, with methionine, which is neutral and non-polar, at codon 1023 of the EYS protein (p.Ile1023Met). This variant is present in population databases (no rsID available, gnomAD 0.01%). This variant has not been reported in the literature in individuals affected with EYS-related conditions. ClinVar contains an entry for this variant (Variation ID: 956353). Algorithms developed to predict the effect of missense changes on protein structure and function are either unavailable or do not agree on the potential impact of this missense change (SIFT: "Deleterious"; PolyPhen-2: "Possibly Damaging"; Align-GVGD: "Class C0"). In summary, the available evidence is currently insufficient to determine the role of this variant in disease. Therefore, it has been classified as a Variant of Uncertain Significance.

Natera, Inc.
Classification: Uncertain significance for Retinitis pigmentosa type 25. Last evaluated: 2021-08-18. Review status: no assertion criteria provided. Collection method: clinical testing. Allele origin: germline. Not counted in ClinVar's aggregate classification.

NM_001142800.2(EYS):c.3069C>G (p.Ile1023Met)

Gene: EYS (eyes shut homolog; minus strand). Cytogenetic location: 6q12.
Variant type: single nucleotide variant.
Coding change: c.3069C>G on transcript NM_001142800.2 (MANE Select); coding-DNA position 3069, C replaced by G.
Protein change: p.Ile1023Met; replaces isoleucine 1023 with methionine.
Molecular consequence: missense variant.
Genome position (GRCh38, 1-based): chr6:64,822,746, G>C on the plus strand (C>G on the coding strand, the complement: EYS is on the minus strand). VCF-style: chr6-64822746-G-C. GRCh37 (hg19) VCF-style: chr6-65532639-G-C.
Other names: c.3069C>G, p.Ile1023Met (NM_001292009.2); short protein forms I1023M.
Identifiers: ClinVar variation 956353 (VCV000956353.8), dbSNP rs913116063, ClinGen allele CA140369236.